The following is an entry in ClinVar:

ClinVar aggregate classification (germline): Pathogenic (1 of 4 stars; one submission).

Conditions:
Hypogonadotropic hypogonadism 1 with or without anosmia (HH1). Also called: Kallmann syndrome, type 1, X-linked; DYSPLASIA OLFACTOGENITALIS OF DE MORSIER; Hypogonadotropic hypogonadism 1 with or without anosmia (Kallmann syndrome 1); HYPOGONADOTROPIC HYPOGONADISM 1 WITH ANOSMIA; KAL1-Related GnRH Deficiency (Kallmann Syndrome 1; Kallmann Syndrome, X-Linked); HYPOGONADOTROPIC HYPOGONADISM AND ANOSMIA. Identifiers: Orphanet 478, MedGen C1563719, MONDO:0010635, OMIM 308700. Disease mechanism: loss of function.

Submission:

Labcorp Genetics (formerly Invitae), Labcorp
Classification: Pathogenic for Hypogonadotropic hypogonadism 1 with or without anosmia. Last evaluated: 2021-05-20. Review status: criteria provided, single submitter. Criteria: Invitae Variant Classification Sherloc (09022015). Collection method: clinical testing. Allele origin: germline.
Comment: For these reasons, this variant has been classified as Pathogenic. This variant has not been reported in the literature in individuals with ANOS1-related conditions. This variant is not present in population databases (ExAC no frequency). This sequence change creates a premature translational stop signal (p.Phe68Serfs*29) in the ANOS1 gene. It is expected to result in an absent or disrupted protein product. Loss-of-function variants in ANOS1 are known to be pathogenic (PMID: 8504298, 11297579).

Literature cited by the submitters: PubMed 8504298; PubMed 11297579.

NM_000216.4(ANOS1):c.203del (p.Phe68fs)

Gene: ANOS1 (anosmin 1; minus strand). Cytogenetic location: Xp22.31.
Variant type: Deletion.
Coding change: c.203del on transcript NM_000216.4 (MANE Select); coding-DNA position 203, one base deleted (T; older notation c.203delT).
Protein change: p.Phe68fs; shifts the reading frame from phenylalanine 68.
Molecular consequence: frameshift variant.
Genome position (GRCh38, 1-based): chrX:8,731,834, A deleted on the plus strand (T on the coding strand, the reverse complement: ANOS1 is on the minus strand); the first of 2 consecutive A bases (chrX:8,731,834-8,731,835); deleting either gives the same sequence. VCF-style (leftmost placement, unchanged base first): chrX-8731833-GA-G. GRCh37 (hg19) VCF-style: chrX-8699874-GA-G.
Other names: short protein forms F68fs.
Identifiers: ClinVar variation 1451691 (VCV001451691.6), dbSNP rs2146919105, ClinGen allele CA2573159630.